The following is an entry in ClinVar:

NM_001329943.3(KIAA0586):c.938A>G (p.Tyr313Cys)

Gene: KIAA0586 (KIAA0586; plus strand). Cytogenetic location: 14q23.1.
Variant type: single nucleotide variant.
Coding change: c.938A>G on transcript NM_001329943.3 (MANE Select); coding-DNA position 938, A replaced by G.
Protein change: p.Tyr313Cys; replaces tyrosine 313 with cysteine.
Molecular consequence: missense variant.
Genome position (GRCh38, 1-based): chr14:58,448,470, A>G. VCF-style: chr14-58448470-A-G. GRCh37 (hg19) VCF-style: chr14-58915188-A-G.
Other names: c.1097A>G, p.Tyr366Cys (NM_001244189.2); c.893A>G, p.Tyr298Cys (NM_001244190.2); c.683A>G, p.Tyr228Cys (NM_001244191.2, NM_001329945.2, NM_001364700.1 and 1 more transcripts); c.806A>G, p.Tyr269Cys (NM_001244192.2); c.518A>G, p.Tyr173Cys (NM_001244193.2); c.938A>G, p.Tyr313Cys (NM_001329944.2, NM_001329946.2, NM_001329947.2 and 1 more transcripts); short protein forms Y173C, Y228C, Y269C, Y298C, Y313C, Y366C.
Identifiers: ClinVar variation 1214101 (VCV001214101.9), dbSNP rs191232589, ClinGen allele CA7205512.

ClinVar aggregate classification (germline): Uncertain significance. Review status: criteria provided, multiple submitters, no conflicts (2 of 4 stars). 2 submissions from 2 submitters: Uncertain significance (2). Last evaluated 2025-07-31.

Conditions:
Joubert syndrome 23 (JBTS23). Identifiers: Orphanet 475, MedGen C4084822, MONDO:0014664, OMIM 616490.
Short-rib thoracic dysplasia 14 with polydactyly (SRTD14). Identifiers: Orphanet 397715, MedGen C4225286, MONDO:0014688, OMIM 616546.

Allele frequency attached by ClinVar (database versions not stated): ExAC 0.00002; gnomAD 0.00006; 1000 Genomes Project 0.00020; gnomAD exomes 0.00001; TOPMed 0.00005; 1000 Genomes Project 30x 0.00016.
gnomAD v4.1: 29 of 1,608,920 alleles (0.0018%); highest among the groups gnomAD compares: African/African-American, 0.016%; no homozygotes.

Submissions (2):

Labcorp Genetics (formerly Invitae), Labcorp
Classification: Uncertain significance for Joubert syndrome 23; Short-rib thoracic dysplasia 14 with polydactyly. Last evaluated: 2025-07-31. Review status: criteria provided, single submitter. Criteria: Invitae Variant Classification Sherloc (09022015). Collection method: clinical testing. Allele origin: germline.
Comment: This sequence change replaces tyrosine, which is neutral and polar, with cysteine, which is neutral and slightly polar, at codon 366 of the KIAA0586 protein (p.Tyr366Cys). This variant is present in population databases (rs191232589, gnomAD 0.008%). This variant has not been reported in the literature in individuals affected with KIAA0586-related conditions. ClinVar contains an entry for this variant (Variation ID: 1214101). Invitae Evidence Modeling of protein sequence and biophysical properties (such as structural, functional, and spatial information, amino acid conservation, physicochemical variation, residue mobility, and thermodynamic stability) indicates that this missense variant is not expected to disrupt KIAA0586 protein function with a negative predictive value of 80%. In summary, the available evidence is currently insufficient to determine the role of this variant in disease. Therefore, it has been classified as a Variant of Uncertain Significance.

GeneDx
Classification: Uncertain significance. Last evaluated: 2023-05-17. Review status: criteria provided, single submitter. Criteria: GeneDx Variant Classification Process June 2021. Collection method: clinical testing. Allele origin: germline. Affected: yes.
Comment: In silico analysis supports that this missense variant has a deleterious effect on protein structure/function; Has not been previously published as pathogenic or benign to our knowledge